The following is an entry in ClinVar:

NM_020928.2(ZSWIM6):c.1711G>T (p.Ala571Ser)

Gene: ZSWIM6 (zinc finger SWIM-type containing 6; plus strand). Cytogenetic location: 5q12.1.
Variant type: single nucleotide variant.
Coding change: c.1711G>T on transcript NM_020928.2 (MANE Select); coding-DNA position 1711, G replaced by T.
Protein change: p.Ala571Ser; replaces alanine 571 with serine.
Molecular consequence: missense variant.
Genome position (GRCh38, 1-based): chr5:61,526,270, G>T. VCF-style: chr5-61526270-G-T. GRCh37 (hg19) VCF-style: chr5-60822097-G-T.
Other names: short protein forms A571S.
Identifiers: ClinVar variation 1461470 (VCV001461470.6), dbSNP rs2112268870, ClinGen allele CA359943693.
Genomic context (GRCh38, chr5:61,526,270, plus strand): 5'-CTGACAGTGGCAACTTTACCCCCTTGACTTTCTGTTTTAGAACATGTTCCTACAGCCTGT[G>T]CAAGAGTGGACGCATTACGTTCTCATGGGTACCCCAGAGAAGCACTGAGACTAGCAATAG-3'
Protein context (NP_065979.1, residues 561-581): LWHEHVPTAC[Ala571Ser]RVDALRSHGY

ClinVar aggregate classification (germline): Uncertain significance (1 of 4 stars; one submission).

Allele frequency attached by ClinVar (database versions not stated): gnomAD exomes below 0.00001.
gnomAD v4.1: 2 of 1,551,784 alleles (0.00013%); highest among the groups gnomAD compares: Non-Finnish European, 0.00017%; no homozygotes.

Submission:

Labcorp Genetics (formerly Invitae), Labcorp
Classification: Uncertain significance. Last evaluated: 2022-08-23. Review status: criteria provided, single submitter. Criteria: Invitae Variant Classification Sherloc (09022015). Collection method: clinical testing. Allele origin: germline.
Comment: In summary, the available evidence is currently insufficient to determine the role of this variant in disease. Therefore, it has been classified as a Variant of Uncertain Significance. Algorithms developed to predict the effect of missense changes on protein structure and function are either unavailable or do not agree on the potential impact of this missense change (SIFT: "Tolerated"; PolyPhen-2: "Possibly Damaging"; Align-GVGD: "Class C0"). ClinVar contains an entry for this variant (Variation ID: 1461470). This variant has not been reported in the literature in individuals affected with ZSWIM6-related conditions. This variant is not present in population databases (gnomAD no frequency). This sequence change replaces alanine, which is neutral and non-polar, with serine, which is neutral and polar, at codon 571 of the ZSWIM6 protein (p.Ala571Ser).